The following is an entry in ClinVar:

ClinVar aggregate classification (germline): Uncertain significance (1 of 4 stars; one submission).

gnomAD v4.1: 2 of 1,613,926 alleles (0.00012%); highest among the groups gnomAD compares: African/African-American, 0.0027%; no homozygotes.

Submission:

GeneDx
Classification: Uncertain significance. Last evaluated: 2023-06-06. Review status: criteria provided, single submitter. Criteria: GeneDx Variant Classification Process June 2021. Collection method: clinical testing. Allele origin: germline. Affected: yes.
Comment: Not observed at significant frequency in large population cohorts (gnomAD); In silico analysis supports that this missense variant does not alter protein structure/function; Has not been previously published as pathogenic or benign to our knowledge

NM_001375524.1(TRRAP):c.7572G>C (p.Met2524Ile)

Gene: TRRAP (transformation/transcription domain associated protein; plus strand). Cytogenetic location: 7q22.1.
Variant type: single nucleotide variant.
Coding change: c.7572G>C on transcript NM_001375524.1 (MANE Select); coding-DNA position 7572, G replaced by C.
Protein change: p.Met2524Ile; replaces methionine 2524 with isoleucine.
Molecular consequence: missense variant.
Genome position (GRCh38, 1-based): chr7:98,970,171, G>C. VCF-style: chr7-98970171-G-C. GRCh37 (hg19) VCF-style: chr7-98567794-G-C.
Other names: c.7551G>C, p.Met2517Ile (NM_001244580.2); c.7497G>C, p.Met2499Ile (NM_003496.4); short protein forms M2499I, M2517I, M2524I.
Identifiers: ClinVar variation 3343745 (VCV003343745.1).